The following is an entry in ClinVar:

NM_002693.3(POLG):c.3358T>G (p.Phe1120Val)

Gene: POLG (DNA polymerase gamma, catalytic subunit; minus strand). Cytogenetic location: 15q26.1.
Variant type: single nucleotide variant.
Coding change: c.3358T>G on transcript NM_002693.3 (MANE Select); coding-DNA position 3358, T replaced by G.
Protein change: p.Phe1120Val; replaces phenylalanine 1120 with valine.
Molecular consequence: missense variant.
Genome position (GRCh38, 1-based): chr15:89,318,665, A>C on the plus strand (T>G on the coding strand, the complement: POLG is on the minus strand). VCF-style: chr15-89318665-A-C. GRCh37 (hg19) VCF-style: chr15-89861896-A-C.
Other names: c.3358T>G, p.Phe1120Val (NM_001126131.2); short protein forms F1120V.
Identifiers: ClinVar variation 1461763 (VCV001461763.5), dbSNP rs776720231, ClinGen allele CA7724157.

ClinVar aggregate classification (germline): Uncertain significance (1 of 4 stars; one submission).

Conditions:
Progressive sclerosing poliodystrophy (MTDPS4A). Also called: Mitochondrial DNA depletion syndrome 4A (Alpers type); ALPERS PROGRESSIVE INFANTILE POLIODYSTROPHY; NEURONAL DEGENERATION OF CHILDHOOD WITH LIVER DISEASE, PROGRESSIVE; Mitochondrial DNA Depletion Syndrome 4A; Alpers-Huttenlocher Syndrome (AHS); Alpers Syndrome. Identifiers: Orphanet 726, MedGen C0205710, MONDO:0008758, OMIM 203700.

Submission:

Labcorp Genetics (formerly Invitae), Labcorp
Classification: Uncertain significance for Progressive sclerosing poliodystrophy. Last evaluated: 2021-08-27. Review status: criteria provided, single submitter. Criteria: Invitae Variant Classification Sherloc (09022015). Collection method: clinical testing. Allele origin: germline.
Comment: This sequence change replaces phenylalanine with valine at codon 1120 of the POLG protein (p.Phe1120Val). The phenylalanine residue is moderately conserved and there is a small physicochemical difference between phenylalanine and valine. The frequency data for this variant in the population databases is considered unreliable, as metrics indicate poor data quality at this position in the ExAC database. This variant has not been reported in the literature in individuals affected with POLG-related conditions. Algorithms developed to predict the effect of missense changes on protein structure and function are either unavailable or do not agree on the potential impact of this missense change (SIFT: "Tolerated"; PolyPhen-2: "Possibly Damaging"; Align-GVGD: "Class C0"). In summary, the available evidence is currently insufficient to determine the role of this variant in disease. Therefore, it has been classified as a Variant of Uncertain Significance.